The following is an entry in ClinVar:

ClinVar aggregate classification (germline): Uncertain significance (1 of 4 stars; one submission).

Conditions:
Emery-Dreifuss muscular dystrophy 5, autosomal dominant (EDMD5). Also called: EMERY-DREIFUSS MUSCULAR DYSTROPHY 5. Identifiers: Orphanet 261, MedGen C2751805, MONDO:0013072, OMIM 612999.

Submission:

Labcorp Genetics (formerly Invitae), Labcorp
Classification: Uncertain significance for Emery-Dreifuss muscular dystrophy 5, autosomal dominant. Last evaluated: 2024-12-18. Review status: criteria provided, single submitter. Criteria: Invitae Variant Classification Sherloc (09022015). Collection method: clinical testing. Allele origin: germline.
Comment: This sequence change creates a premature translational stop signal (p.Ala3072Serfs*3) in the SYNE2 gene. It is expected to result in an absent or disrupted protein product. However, the current clinical and genetic evidence is not sufficient to establish whether loss-of-function variants in SYNE2 cause disease. This variant is present in population databases (no rsID available, gnomAD 0.0009%). This variant has not been reported in the literature in individuals affected with SYNE2-related conditions. In summary, the available evidence is currently insufficient to determine the role of this variant in disease. Therefore, it has been classified as a Variant of Uncertain Significance.

NM_182914.3(SYNE2):c.9213dup (p.Ala3072fs)

Gene: SYNE2 (spectrin repeat containing nuclear envelope protein 2; plus strand). Cytogenetic location: 14q23.2.
Variant type: Duplication.
Coding change: c.9213dup on transcript NM_182914.3 (MANE Select); coding-DNA position 9213, one base duplicated (A; older notation c.9213dupA).
Protein change: p.Ala3072fs; shifts the reading frame from alanine 3072.
Molecular consequence: frameshift variant.
Genome position (GRCh38, 1-based): chr14:64,053,126, A duplicated; the last of 4 consecutive A bases (chr14:64,053,123-64,053,126); duplicating any one gives the same sequence. VCF-style (leftmost placement, unchanged base first): chr14-64053122-T-TA. GRCh37 (hg19) VCF-style: chr14-64519840-T-TA.
Other names: c.9213dup, p.Ala3072fs (NM_015180.6); short protein forms A3072fs.
Identifiers: ClinVar variation 3718560 (VCV003718560.2).
Genomic context (GRCh38, chr14:64,053,122, plus strand): 5'-CATTATTAAGTAAAATGAGAGCTATTGATTTGCAAATTAAGAAAATGACTGAAGTAGTAC[T>TA]AAAAGCTCCTGATAGCTCTCCGGAAAGCAGACGGCTCAATGCCCAAATTTTAAGTCAGAG-3'